The following is an entry in ClinVar:

NM_000069.3(CACNA1S):c.454A>G (p.Met152Val)

Gene: CACNA1S (calcium voltage-gated channel subunit alpha1 S; minus strand). Cytogenetic location: 1q32.1.
Variant type: single nucleotide variant.
Coding change: c.454A>G on transcript NM_000069.3 (MANE Select); coding-DNA position 454, A replaced by G.
Protein change: p.Met152Val; replaces methionine 152 with valine.
Molecular consequence: missense variant.
Genome position (GRCh38, 1-based): chr1:201,092,059, T>C on the plus strand (A>G on the coding strand, the complement: CACNA1S is on the minus strand). VCF-style: chr1-201092059-T-C. GRCh37 (hg19) VCF-style: chr1-201061187-T-C.
Other names: short protein forms M152V.
Identifiers: ClinVar variation 572828 (VCV000572828.44), dbSNP rs369332959, ClinGen allele CA083443.

ClinVar aggregate classification (germline): Conflicting classifications of pathogenicity. Review status: criteria provided, conflicting classifications (1 of 4 stars). 4 submissions from 4 submitters: Uncertain significance (3); Likely benign (1). Last evaluated 2024-09-23.

Conditions:
Malignant hyperthermia, susceptibility to, 5 (MHS5). Also called: CACNA1S-Related Malignant Hyperthermia Susceptibility. Identifiers: Orphanet 423, MedGen C1866077, MONDO:0011163, OMIM 601887.
Hypokalemic periodic paralysis, type 1. Also called: Hypokalemic Periodic Paralysis Type 1 (AD); HypoPP. Identifiers: Orphanet 681, MedGen C3714580, MONDO:0042979, OMIM 170400.

Allele frequency attached by ClinVar (database versions not stated): gnomAD exomes 0.00002; TOPMed 0.00002; gnomAD 0.00003 and 0.00004; ExAC 0.00004; ESP Exome Variant Server 0.00008.

Submissions (4):

All of Us Research Program, National Institutes of Health
Classification: Uncertain significance for Malignant hyperthermia, susceptibility to, 5. Last evaluated: 2024-09-23. Review status: criteria provided, single submitter. Criteria: ACMG Guidelines, 2015. Collection method: clinical testing. Allele origin: germline. Inheritance: Autosomal dominant inheritance. Observed: 9 variant alleles, 9 heterozygotes.
Comment: This missense variant replaces methionine with valine at codon 152 of the CACNA1S protein. Computational prediction suggests that this variant may not impact protein structure and function (internally defined REVEL score threshold <= 0.5, PMID: 27666373). To our knowledge, functional studies have not been reported for this variant. This variant has not been reported in individuals affected with CACNA1S-related disorders in the literature. This variant has been identified in 6/251490 chromosomes in the general population by the Genome Aggregation Database (gnomAD). The available evidence is insufficient to determine the role of this variant in disease conclusively. Therefore, this variant is classified as a Variant of Uncertain Significance.

This study involves interpretation of variants in research participants for the purpose of population health screening. Participant phenotype was not available at the time of variant classification. Additional details can be found in publication PMID: 35346344, PMCID: PMC8962531

Color Diagnostics, LLC DBA Color Health
Classification: Uncertain significance for Malignant hyperthermia, susceptibility to, 5. Last evaluated: 2024-04-17. Review status: criteria provided, single submitter. Criteria: ACMG Guidelines, 2015. Collection method: clinical testing. Allele origin: germline.
Comment: This missense variant replaces methionine with valine at codon 152 of the CACNA1S protein. Computational prediction suggests that this variant may not impact protein structure and function. To our knowledge, functional studies have not been reported for this variant. This variant has not been reported in individuals affected with CACNA1S-related disorders in the literature. This variant has been identified in 6/251490 chromosomes in the general population by the Genome Aggregation Database (gnomAD). The available evidence is insufficient to determine the role of this variant in disease conclusively. Therefore, this variant is classified as a Variant of Uncertain Significance.

Labcorp Genetics (formerly Invitae), Labcorp
Classification: Likely benign for Hypokalemic periodic paralysis, type 1; Malignant hyperthermia, susceptibility to, 5. Last evaluated: 2024-02-24. Review status: criteria provided, single submitter. Criteria: Invitae Variant Classification Sherloc (09022015). Collection method: clinical testing. Allele origin: germline.

CeGaT Center for Human Genetics Tuebingen
Classification: Uncertain significance. Last evaluated: 2023-10-01. Review status: criteria provided, single submitter. Criteria: CeGaT Center For Human Genetics Tuebingen Variant Classification Criteria Version 2. Collection method: clinical testing. Allele origin: germline. Affected: yes. Observed: 1 variant allele.
Comment: CACNA1S: PM2, BP4